The following is an entry in ClinVar:

NM_003906.5(MCM3AP):c.2371C>G (p.Gln791Glu)

Gene: MCM3AP (minichromosome maintenance complex component 3 associated protein; minus strand). Cytogenetic location: 21q22.3.
Variant type: single nucleotide variant.
Coding change: c.2371C>G on transcript NM_003906.5 (MANE Select); coding-DNA position 2371, C replaced by G.
Protein change: p.Gln791Glu; replaces glutamine 791 with glutamic acid.
Molecular consequence: missense variant.
Genome position (GRCh38, 1-based): chr21:46,272,655, G>C on the plus strand (C>G on the coding strand, the complement: MCM3AP is on the minus strand). VCF-style: chr21-46272655-G-C. GRCh37 (hg19) VCF-style: chr21-47692569-G-C.
Other names: short protein forms Q791E.
Identifiers: ClinVar variation 3373191 (VCV003373191.1).

ClinVar aggregate classification (germline): Uncertain significance (1 of 4 stars; one submission).

gnomAD v4.1: 1 of 1,614,174 alleles (0.000062%); highest among the groups gnomAD compares: African/African-American, 0.0013%; no homozygotes.

Submission:

GeneDx
Classification: Uncertain significance. Last evaluated: 2024-05-01. Review status: criteria provided, single submitter. Criteria: GeneDx Variant Classification Process June 2021. Collection method: clinical testing. Allele origin: germline. Affected: yes.
Comment: Not observed at significant frequency in large population cohorts (gnomAD); In silico analysis indicates that this missense variant does not alter protein structure/function; Has not been previously published as pathogenic or benign to our knowledge